The following is an entry in ClinVar:

ClinVar aggregate classification (germline): Uncertain significance. Review status: criteria provided, multiple submitters, no conflicts (2 of 4 stars). 5 submissions from 5 submitters: Uncertain significance (4). 1 of the submissions does not count toward it. Last evaluated 2026-09-15.

Conditions:
Neonatal death. Also called: neonatal demise. Identifiers: MedGen C0410916, HP:0003811.
Occipital pachygyria and polymicrogyria. Identifiers: Orphanet 280640, MedGen C3279875, MONDO:0013583, OMIM 614115.
Intellectual disability. Also called: Intellectual functioning disability; intellectual disabilities; Intellectual developmental disorder. Identifiers: MedGen C3714756, MeSH D008607, MONDO:0001071, HP:0001249.

Allele frequency attached by ClinVar (database versions not stated): ExAC 0.00026; gnomAD 0.00028 and 0.00030; TOPMed 0.00028; gnomAD exomes 0.00034 and 0.00078; ESP Exome Variant Server 0.00092.
gnomAD v4.1: 1,163 of 1,613,150 alleles (0.072%); highest among the groups gnomAD compares: Non-Finnish European, 0.092%; no homozygotes.

Submissions (5):

GeneDx
Classification: Uncertain significance. Last evaluated: 2026-09-15. Review status: criteria provided, single submitter. Criteria: GeneDx Variant Classification Process June 2021. Collection method: clinical testing. Allele origin: germline.
Comment: Reported in a compound heterozygous state with a second LAMC3 variant in an individual with periventricular nodular heterotopia (PMID: 33639934); In silico analysis supports that this missense variant has a deleterious effect on protein structure/function; This variant is associated with the following publications: (PMID: 36685914, 33639934, Bozlak2026[Casereport])

Labcorp Genetics (formerly Invitae), Labcorp
Classification: Uncertain significance. Last evaluated: 2026-02-02. Review status: criteria provided, single submitter. Criteria: Invitae Variant Classification Sherloc (09022015). Collection method: clinical testing. Allele origin: germline.
Comment: This sequence change replaces arginine, which is basic and polar, with cysteine, which is neutral and slightly polar, at codon 356 of the LAMC3 protein (p.Arg356Cys). This variant is present in population databases (rs138713603, gnomAD 0.06%). This missense change has been observed in individual(s) with clinical features of LAMC3-related conditions (PMID: 33639934). ClinVar contains an entry for this variant (Variation ID: 691960). An algorithm developed to predict the effect of missense changes on protein structure and function (PolyPhen-2) suggests that this variant is likely to be disruptive. In summary, the available evidence is currently insufficient to determine the role of this variant in disease. Therefore, it has been classified as a Variant of Uncertain Significance.

Baylor Genetics
Classification: Uncertain significance for Occipital pachygyria and polymicrogyria. Last evaluated: 2020-02-24. Review status: criteria provided, single submitter. Criteria: ACMG Guidelines, 2015. Collection method: clinical testing. Allele origin: unknown. Affected: yes.
Comment: This variant was determined to be of uncertain significance according to ACMG Guidelines, 2015 [PMID:25741868].

Broad Center for Mendelian Genomics, Broad Institute of MIT and Harvard
Classification: Uncertain significance for Neonatal death. Last evaluated: 2019-10-03. Review status: criteria provided, single submitter. Criteria: ACMG Guidelines, 2015. Collection method: research. Allele origin: germline. Inheritance: Autosomal recessive inheritance. Affected: yes.
Comment: The p.Arg356Cys variant in LAMC3 has not been previously reported in individuals with posterior periventricular nodular heterotopia. The observation of the p.Arg356Cys variant in association with posterior periventricular nodular heterotopia may constitute a phenotype expansion. This variant has been identified in 0.059% (76/128,938) of European (non-Finnish) chromosomes by the Genome Aggregation Database (gnomAD; dbSNP rs138713603). Although this variant has been seen in the general population, its frequency is not high enough to rule out a pathogenic role. It has not been observed in the general population in homozygosity. Computational prediction tools and conservation analyses do not provide strong support for or against an impact to the protein. In silico splice predictors do suggest the possible creation of an exonic splicing silencer (ESS) site, which could alter splicing. However, this information is not predictive enough to determine/rule out pathogenicity.. In summary, the clinical significance of the p.Arg356Cys variant is uncertain. This study was performed in collaboration with Genetics and Molecular Pathology Research Laboratory, SA Pathology, Adelaide, South Australia. ACMG/AMP Criteria applied:, PM2 (Richards 2015).

Centre de Biologie Pathologie Génétique, Centre Hospitalier Universitaire de Lille
Classification: Likely benign for Intellectual disability. Last evaluated: 2019-01-01. Review status: no assertion criteria provided. Collection method: clinical testing. Allele origin: inherited. Affected: yes. Not counted in ClinVar's aggregate classification.

Literature cited by the submitters: PubMed 33639934 (cited by Labcorp Genetics (formerly Invitae), Labcorp).

NM_006059.4(LAMC3):c.1066C>T (p.Arg356Cys)

Gene: LAMC3 (laminin subunit gamma 3; plus strand). Cytogenetic location: 9q34.12.
Variant type: single nucleotide variant.
Coding change: c.1066C>T on transcript NM_006059.4 (MANE Select); coding-DNA position 1066, C replaced by T.
Protein change: p.Arg356Cys; replaces arginine 356 with cysteine.
Molecular consequence: missense variant.
Genome position (GRCh38, 1-based): chr9:131,038,953, C>T. VCF-style: chr9-131038953-C-T. GRCh37 (hg19) VCF-style: chr9-133914340-C-T.
Other names: short protein forms R356C.
Identifiers: ClinVar variation 691960 (VCV000691960.13), dbSNP rs138713603, ClinGen allele CA5286928.